The following is an entry in ClinVar:

ClinVar aggregate classification (germline): Uncertain significance (1 of 4 stars; one submission).

Submission:

Labcorp Genetics (formerly Invitae), Labcorp
Classification: Uncertain significance. Last evaluated: 2023-06-21. Review status: criteria provided, single submitter. Criteria: Invitae Variant Classification Sherloc (09022015). Collection method: clinical testing. Allele origin: germline.
Comment: In summary, the available evidence is currently insufficient to determine the role of this variant in disease. Therefore, it has been classified as a Variant of Uncertain Significance. This variant has not been reported in the literature in individuals affected with RELB-related conditions. This variant is not present in population databases (gnomAD no frequency). This sequence change creates a premature translational stop signal (p.Asp39Alafs*52) in the RELB gene. It is expected to result in an absent or disrupted protein product. However, the current clinical and genetic evidence is not sufficient to establish whether loss-of-function variants in RELB cause disease.

NM_006509.4(RELB):c.116del (p.Asp39fs)

Gene: RELB (RELB proto-oncogene, NF-kB subunit; plus strand). Cytogenetic location: 19q13.32.
Variant type: Deletion.
Coding change: c.116del on transcript NM_006509.4 (MANE Select); coding-DNA position 116, one base deleted (A; older notation c.116delA).
Protein change: p.Asp39fs; shifts the reading frame from aspartic acid 39.
Molecular consequence: frameshift variant.
Genome position (GRCh38, 1-based): chr19:45,002,958, A deleted. VCF-style (leftmost placement, unchanged base first): chr19-45002957-GA-G. GRCh37 (hg19) VCF-style: chr19-45506215-GA-G.
Other names: c.116del, p.Asp39fs (NM_001411087.1); short protein forms D39fs.
Identifiers: ClinVar variation 2721672 (VCV002721672.3), dbSNP rs2513629216, ClinGen allele CA2697556621.